The following is an entry in ClinVar:

ClinVar aggregate classification (germline): Pathogenic/Likely pathogenic. Review status: criteria provided, multiple submitters, no conflicts (2 of 4 stars). 6 submissions from 6 submitters: Pathogenic (2); Likely pathogenic (3). 1 of the submissions does not count toward it. Last evaluated 2025-10-10.

Conditions:
PHYH-related disorder. Also called: PHYH-related condition.
Refsum disease, classic. Also called: PHYH-Related Refsum Disease; PHYTANIC ACID OXIDASE DEFICIENCY; HEREDOPATHIA ATACTICA POLYNEURITIFORMIS; HMSN IV. Identifiers: Orphanet 773, MedGen C5780941, MONDO:1060256, OMIM 266500. Disease mechanism: loss of function.
REFSUM DISEASE, ADULT, 1. Identifiers: MedGen C2749345. Disease mechanism: loss of function.

Allele frequency attached by ClinVar (database versions not stated): gnomAD exomes 0.00001 and 0.00003; gnomAD 0.00001 and 0.00002; TOPMed 0.00002; ExAC 0.00003.
gnomAD v4.1: 18 of 1,613,922 alleles (0.0011%); highest among the groups gnomAD compares: Middle Eastern, 0.016%; no homozygotes.

Submissions (6):

Myriad Genetics, Inc.
Classification: Likely pathogenic for Refsum disease, classic. Last evaluated: 2025-10-10. Review status: criteria provided, single submitter. Criteria: Myriad Autosomal Dominant, Autosomal Recessive and X-Linked Classification Criteria (2023). Collection method: clinical testing. Allele origin: unknown.
Comment: NM_006214.3(PHYH):c.824G>A(R275Q) is a missense variant classified as likely pathogenic in the context of Refsum disease, PHYH-related. R275Q has been observed in cases with relevant disease (PMID: 37009079, 10767344, 37164435). Relevant functional assessments of this variant are not available in the literature. Internal structural analysis of the variant is supportive of pathogenicity. R275Q has been observed in referenced population frequency databases. In summary, NM_006214.3(PHYH):c.824G>A(R275Q) is a missense variant that has internal structural support for pathogenicity and has been observed more frequently in cases with the relevant disease than in healthy populations. Please note: this variant was assessed in the context of healthy population screening.

Labcorp Genetics (formerly Invitae), Labcorp
Classification: Likely pathogenic. Last evaluated: 2024-12-16. Review status: criteria provided, single submitter. Criteria: Invitae Variant Classification Sherloc (09022015). Collection method: clinical testing. Allele origin: germline.
Comment: This sequence change replaces arginine, which is basic and polar, with glutamine, which is neutral and polar, at codon 275 of the PHYH protein (p.Arg275Gln). This variant is present in population databases (rs104894174, gnomAD 0.02%). This missense change has been observed in individuals with Refsum disease (PMID: 10767344). ClinVar contains an entry for this variant (Variation ID: 7588). Invitae Evidence Modeling of protein sequence and biophysical properties (such as structural, functional, and spatial information, amino acid conservation, physicochemical variation, residue mobility, and thermodynamic stability) indicates that this missense variant is expected to disrupt PHYH protein function with a positive predictive value of 80%. Experimental studies have shown that this missense change affects PHYH function (PMID: 10767344, 11555634). This variant disrupts the p.Arg275 amino acid residue in PHYH. Other variant(s) that disrupt this residue have been determined to be pathogenic (PMID: 9657395, 10767344, 28041643). This suggests that this residue is clinically significant, and that variants that disrupt this residue are likely to be disease-causing. In summary, the currently available evidence indicates that the variant is pathogenic, but additional data are needed to prove that conclusively. Therefore, this variant has been classified as Likely Pathogenic.

Baylor Genetics
Classification: Pathogenic for Refsum disease, classic. Last evaluated: 2024-03-20. Review status: criteria provided, single submitter. Criteria: ACMG Guidelines, 2015. Collection method: clinical testing. Allele origin: unknown.

Fulgent Genetics
Classification: Likely pathogenic for Refsum disease, classic. Last evaluated: 2023-12-23. Review status: criteria provided, single submitter. Criteria: ACMG Guidelines, 2015. Collection method: clinical testing. Allele origin: germline.

Blueprint Genetics
Classification: Pathogenic for PHYH-related disorders. Last evaluated: 2021-04-27. Review status: criteria provided, single submitter. Criteria: ACMG Guidelines, 2015. Collection method: clinical testing. Allele origin: germline. Affected: yes. Observed: 5 variant alleles.

OMIM
Classification: Pathogenic for REFSUM DISEASE, ADULT, 1. Last evaluated: 2000-05-01. Review status: no assertion criteria provided. Collection method: literature only. Allele origin: germline. Not counted in ClinVar's aggregate classification.

Literature cited by the submitters: PubMed 10767344 (cited by 3 submitters); PubMed 37009079 (cited by Myriad Genetics, Inc.); PubMed 37164435 (cited by Myriad Genetics, Inc.); PubMed 11555634 (cited by Labcorp Genetics (formerly Invitae), Labcorp); PubMed 9657395 (cited by Labcorp Genetics (formerly Invitae), Labcorp); PubMed 28041643 (cited by Labcorp Genetics (formerly Invitae), Labcorp).

NM_006214.4(PHYH):c.824G>A (p.Arg275Gln)

Gene: PHYH (phytanoyl-CoA 2-hydroxylase; minus strand). Cytogenetic location: 10p13.
Variant type: single nucleotide variant.
Coding change: c.824G>A on transcript NM_006214.4 (MANE Select); coding-DNA position 824, G replaced by A.
Protein change: p.Arg275Gln; replaces arginine 275 with glutamine.
Molecular consequence: missense variant.
Genome position (GRCh38, 1-based): chr10:13,283,694, C>T on the plus strand (G>A on the coding strand, the complement: PHYH is on the minus strand). VCF-style: chr10-13283694-C-T. GRCh37 (hg19) VCF-style: chr10-13325694-C-T.
Other names: c.524G>A, p.Arg175Gln (NM_001037537.2, NM_001323080.2); c.830G>A, p.Arg277Gln (NM_001323082.2); c.560G>A, p.Arg187Gln (NM_001323083.2); c.530G>A, p.Arg177Gln (NM_001323084.2); short protein forms R275Q, R177Q, R175Q, R277Q, R187Q.
Identifiers: ClinVar variation 7588 (VCV000007588.11), dbSNP rs104894174, ClinGen allele CA118908.